The following is an entry in ClinVar:

NM_001039141.3(TRIOBP):c.6736G>A (p.Glu2246Lys)

Gene: TRIOBP (TRIO and F-actin binding protein; plus strand). Cytogenetic location: 22q13.1.
Variant type: single nucleotide variant.
Coding change: c.6736G>A on transcript NM_001039141.3 (MANE Select); coding-DNA position 6736, G replaced by A.
Protein change: p.Glu2246Lys; replaces glutamic acid 2246 with lysine.
Molecular consequence: missense variant.
Genome position (GRCh38, 1-based): chr22:37,769,262, G>A. VCF-style: chr22-37769262-G-A. GRCh37 (hg19) VCF-style: chr22-38165269-G-A.
Other names: c.1597G>A, p.Glu533Lys (NM_007032.5); short protein forms E2246K, E533K.
Identifiers: ClinVar variation 165614 (VCV000165614.38), dbSNP rs138139146, ClinGen allele CA248762.

ClinVar aggregate classification (germline): Benign/Likely benign. Review status: criteria provided, multiple submitters, no conflicts (2 of 4 stars). 11 submissions from 11 submitters: Benign (5); Likely benign (6). Last evaluated 2026-07-01.

Allele frequency attached by ClinVar (database versions not stated): 1000 Genomes Project 30x 0.00187; 1000 Genomes Project 0.00220; ESP Exome Variant Server 0.00436; gnomAD 0.00473 and 0.00483; TOPMed 0.00524; gnomAD exomes 0.00532 and 0.00718; ExAC 0.00612.
gnomAD v4.1: 11,197 of 1,609,952 alleles (0.7%); highest among the groups gnomAD compares: Non-Finnish European, 0.81%; 52 homozygotes.

Submissions (11):

CeGaT Center for Human Genetics Tuebingen
Classification: Likely benign. Last evaluated: 2026-07-01. Review status: criteria provided, single submitter. Criteria: CeGaT Center For Human Genetics Tuebingen Variant Classification Criteria Version 2. Collection method: clinical testing. Allele origin: germline. Affected: yes. Observed: 8 variant alleles.
Comment: TRIOBP: PP3, BS1

Labcorp Genetics (formerly Invitae), Labcorp
Classification: Benign. Last evaluated: 2026-02-01. Review status: criteria provided, single submitter. Criteria: Invitae Variant Classification Sherloc (09022015). Collection method: clinical testing. Allele origin: germline.

Women's Health and Genetics/Laboratory Corporation of America, LabCorp
Classification: Likely benign. Last evaluated: 2025-06-18. Review status: criteria provided, single submitter. Criteria: LabCorp Variant Classification Summary - May 2015. Collection method: clinical testing. Allele origin: germline.
Comment: Variant summary: TRIOBP c.6736G>A (p.Glu2246Lys) results in a conservative amino acid change in the encoded protein sequence. Algorithms developed to predict the effect of missense changes on protein structure and function are either unavailable or do not agree on the potential impact of this missense change. Several computational tools predict a significant impact on normal splicing: One predict the variant strengthens a cryptic 3' acceptor site. One predict the variant creates a cryptic 3' acceptor site. However, these predictions have yet to be confirmed by functional studies. The variant allele was found at a frequency of 0.0053 in 239260 control chromosomes in the gnomAD database, including 3 homozygotes. The observed variant frequency exceeds the estimated maximal expected allele frequency for a pathogenic variant in TRIOBP causing Autosomal Recessive Nonsyndromic Hearing Loss 28 phenotype. c.6736G>A has been observed in individual(s) affected with Autosomal Recessive non-syndromic hearing loss (Sloan-Heggen_2016) and microcephaly (Grange_2022) without strong evidence for causality. These report(s) do not provide unequivocal conclusions about association of the variant with Autosomal Recessive Nonsyndromic Hearing Loss 28. The following publications have been ascertained in the context of this evaluation (PMID: 26969326, 30872718, 36333305). ClinVar contains an entry for this variant (Variation ID: 165614). Based on the evidence outlined above, the variant was classified as likely benign.

Blueprint Genetics
Classification: Likely benign. Last evaluated: 2024-11-27. Review status: criteria provided, single submitter. Criteria: ACMG Guidelines, 2015. Collection method: clinical testing. Allele origin: germline.

Athena Diagnostics
Classification: Likely benign. Last evaluated: 2019-02-18. Review status: criteria provided, single submitter. Criteria: Athena Diagnostics Criteria. Collection method: clinical testing. Allele origin: germline.

GeneDx
Classification: Benign. Last evaluated: 2018-09-28. Review status: criteria provided, single submitter. Criteria: GeneDx Variant Classification Process June 2021. Collection method: clinical testing. Allele origin: germline. Affected: yes.
Comment: This variant is associated with the following publications: (PMID: 26969326, 28089734, 29197352)

Genomic Diagnostic Laboratory, Division of Genomic Diagnostics, Children's Hospital of Philadelphia
Classification: Likely benign. Last evaluated: 2015-07-17. Review status: criteria provided, single submitter. Criteria: DGD Variant Analysis Guidelines. Collection method: clinical testing. Allele origin: unknown.

Eurofins Ntd Llc (ga)
Classification: Benign. Last evaluated: 2015-02-09. Review status: criteria provided, single submitter. Criteria: EGL Classification Definitions 2015. Collection method: clinical testing. Allele origin: germline. Observed: 1 variant allele, 1 heterozygote.

Laboratory for Molecular Medicine, Mass General Brigham Personalized Medicine
Classification: Benign. Last evaluated: 2012-04-30. Review status: criteria provided, single submitter. Criteria: LMM Criteria. Collection method: clinical testing. Allele origin: germline. Observed: 24 variant alleles.
Comment: Glu2246Lys in Exon 21 of TRIOBP: This variant is not expected to have clinical s ignificance because it has been identified in 0.5% (37/6742) of European America n chromosomes from a broad population by the NHLBI Exome Sequencing Project (dbSNP rs138139146).

Breakthrough Genomics
Classification: Likely benign. Review status: criteria provided, single submitter. Criteria: ACMG Guidelines, 2015. Collection method: not provided. Allele origin: germline. Inheritance: Autosomal recessive inheritance. Affected: yes.

PreventionGenetics, part of Exact Sciences
Classification: Benign. Review status: criteria provided, single submitter. Criteria: ACMG Guidelines, 2015. Collection method: clinical testing. Allele origin: germline.

Literature cited by the submitters: PubMed 26969326 (cited by Women's Health and Genetics/Laboratory Corporation of America, LabCorp and Athena Diagnostics); PubMed 36333305 (cited by Women's Health and Genetics/Laboratory Corporation of America, LabCorp); PubMed 30872718 (cited by Women's Health and Genetics/Laboratory Corporation of America, LabCorp); PubMed 29197352 (cited by Athena Diagnostics).